The following is an entry in ClinVar:

NM_001291415.2(KDM6A):c.2185C>G (p.Gln729Glu)

Gene: KDM6A (lysine demethylase 6A; plus strand). Cytogenetic location: Xp11.3.
Variant type: single nucleotide variant.
Coding change: c.2185C>G on transcript NM_001291415.2 (MANE Select); coding-DNA position 2185, C replaced by G.
Protein change: p.Gln729Glu; replaces glutamine 729 with glutamic acid.
Molecular consequence: missense variant. On other transcripts: non-coding transcript variant (1).
Genome position (GRCh38, 1-based): chrX:45,069,684, C>G. VCF-style: chrX-45069684-C-G. GRCh37 (hg19) VCF-style: chrX-44928929-C-G.
Other names: c.1927C>G, p.Gln643Glu (NM_001410742.1); c.2029C>G, p.Gln677Glu (NM_021140.4); c.2050C>G, p.Gln684Glu (NM_001291416.2); c.1894C>G, p.Gln632Glu (NM_001291417.2); c.1792C>G, p.Gln598Glu (NM_001291418.2); c.1141C>G, p.Gln381Glu (NM_001291421.2); c.2029C>G (NM_021140.2); short protein forms Q381E, Q598E, Q632E, Q643E, Q677E, Q684E, Q729E.
Identifiers: ClinVar variation 1805081 (VCV001805081.2), dbSNP rs2522970040, ClinGen allele CA412792491.

ClinVar aggregate classification (germline): Uncertain significance. Review status: criteria provided, multiple submitters, no conflicts (2 of 4 stars). 2 submissions from 2 submitters: Uncertain significance (2). Last evaluated 2024-05-10.

Conditions:
Kabuki syndrome 2 (KABUK2). Also called: KDM6A-Related Kabuki Syndrome. Identifiers: Orphanet 2322, MedGen C3275495, MONDO:0010465, OMIM 300867.

Allele frequency attached by ClinVar (database versions not stated): gnomAD exomes below 0.00001.

Submissions (2):

GeneDx
Classification: Uncertain significance. Last evaluated: 2024-05-10. Review status: criteria provided, single submitter. Criteria: GeneDx Variant Classification Process June 2021. Collection method: clinical testing. Allele origin: germline. Affected: yes.
Comment: Not observed at significant frequency in large population cohorts (gnomAD); In silico analysis indicates that this missense variant does not alter protein structure/function; Has not been previously published as pathogenic or benign to our knowledge

Victorian Clinical Genetics Services, Murdoch Childrens Research Institute
Classification: Uncertain significance for Kabuki syndrome 2. Last evaluated: 2022-02-02. Review status: criteria provided, single submitter. Criteria: ACMG Guidelines, 2015. Collection method: clinical testing. Allele origin: germline. Inheritance: X-linked dominant inheritance.
Comment: Based on the classification scheme VCGS_Germline_v1.3.4, this variant is classified as VUS-3C. Following criteria are met: 0102 - Loss of function is a known mechanism of disease in this gene and is associated with Kabuki syndrome 2 (MIM#300867). (I) 0110 - This gene is associated with X-linked dominant disease. (I) 0200 - Variant is predicted to result in a missense amino acid change from glutamine to glutamic acid. (I) 0251 - This variant is heterozygous. (I) 0301 - Variant is absent from gnomAD (both v2 and v3). (SP) 0503 - Missense variant consistently predicted to be tolerated by multiple in silico tools or not conserved in placental mammals with a minor amino acid change. (SB) 0604 - Variant is not located in an established domain, motif, hotspot or informative constraint region. (I) 0705 - No comparable missense variants have previous evidence for pathogenicity. (I) 0807 - This variant has no previous evidence of pathogenicity. (I) 0905 - No published segregation evidence has been identified for this variant. (I) 1007 - No published functional evidence has been identified for this variant. (I) Legend: (SP) - Supporting pathogenic, (I) - Information, (SB) - Supporting benign